The following is an entry in ClinVar:

ClinVar aggregate classification (germline): Benign. Review status: criteria provided, multiple submitters, no conflicts (2 of 4 stars). 2 submissions from 2 submitters: Benign (2). Last evaluated 2018-06-14.

Allele frequency attached by ClinVar (database versions not stated): TOPMed 0.02799; 1000 Genomes Project 30x 0.03267; 1000 Genomes Project 0.03417.
gnomAD v4.1: 6,881 of 918,533 alleles (0.75%); highest among the groups gnomAD compares: African/African-American, 8.8%; 166 homozygotes.

Submissions (2):

GeneDx
Classification: Benign. Last evaluated: 2018-06-14. Review status: criteria provided, single submitter. Criteria: GeneDx Variant Classification (06012015). Collection method: clinical testing. Allele origin: germline. Affected: yes.
Comment: This variant is considered likely benign or benign based on one or more of the following criteria: it is a conservative change, it occurs at a poorly conserved position in the protein, it is predicted to be benign by multiple in silico algorithms, and/or has population frequency not consistent with disease.

Breakthrough Genomics
Classification: Benign. Review status: criteria provided, single submitter. Criteria: ACMG Guidelines, 2015. Collection method: not provided. Allele origin: germline. Inheritance: X-linked inheritance. Affected: yes.

NM_002641.4(PIGA):c.1188+53C>T

Gene: PIGA (phosphatidylinositol glycan anchor biosynthesis class A; minus strand). Cytogenetic location: Xp22.2.
Variant type: single nucleotide variant.
Coding change: c.1188+53C>T on transcript NM_002641.4 (MANE Select); 53 bases into the intron after coding-DNA position 1188, C replaced by T.
Molecular consequence: intron variant.
Genome position (GRCh38, 1-based): chrX:15,324,612, G>A on the plus strand (C>T on the coding strand, the complement: PIGA is on the minus strand). VCF-style: chrX-15324612-G-A. GRCh37 (hg19) VCF-style: chrX-15342734-G-A.
Other names: c.486+53C>T (NM_020473.3).
Identifiers: ClinVar variation 677379 (VCV000677379.2), dbSNP rs7050041, ClinGen allele CA326944462.